The following is an entry in ClinVar:

NM_006767.4(LZTR1):c.835C>T (p.Pro279Ser)

Gene: LZTR1 (leucine zipper like post translational regulator 1; plus strand). Cytogenetic location: 22q11.21.
Variant type: single nucleotide variant.
Coding change: c.835C>T on transcript NM_006767.4 (MANE Select); coding-DNA position 835, C replaced by T.
Protein change: p.Pro279Ser; replaces proline 279 with serine.
Molecular consequence: missense variant.
Genome position (GRCh38, 1-based): chr22:20,991,671, C>T. VCF-style: chr22-20991671-C-T. GRCh37 (hg19) VCF-style: chr22-21345960-C-T.
Other names: short protein forms P279S.
Identifiers: ClinVar variation 1763075 (VCV001763075.6), dbSNP rs943782292, ClinGen allele CA322327278.

ClinVar aggregate classification (germline): Uncertain significance. Review status: criteria provided, multiple submitters, no conflicts (2 of 4 stars). 4 submissions from 4 submitters: Uncertain significance (4). Last evaluated 2025-11-21.

Conditions:
Hereditary cancer-predisposing syndrome. Also called: Tumor predisposition; Hereditary Cancer Syndrome; Neoplastic Syndromes, Hereditary; Hereditary neoplastic syndrome. Identifiers: Orphanet 140162, MedGen C0027672, MeSH D009386, MONDO:0015356.
Cardiovascular phenotype. Identifiers: MedGen CN230736.
Noonan syndrome 2 (NS2). Identifiers: Orphanet 648, MedGen C1854469, MONDO:0011531, OMIM 605275.

Allele frequency attached by ClinVar (database versions not stated): gnomAD 0.00001.

Submissions (4):

3billion
Classification: Uncertain significance for Noonan syndrome 2. Last evaluated: 2025-11-21. Review status: criteria provided, single submitter. Criteria: ACMG Guidelines, 2015. Collection method: clinical testing. Allele origin: germline. Affected: yes.
Comment: The variant is observed at an extremely low frequency in the gnomAD v4.1.0 dataset (total allele frequency: <0.001%). Predicted Consequence/Location: Missense variant In silico tool predictions suggest damaging effect of the variant on gene or gene product [3Cnet: 0.91 (> 0.75, sensitivity 0.96 and precision 0.92)]. The variant has been reported as of uncertain significance (ClinVar ID: VCV001763075). Different missense changes at the same codon have been reported as of uncertain significance (ClinVar ID: VCV001446687, VCV003238350). Therefore, this variant is classified as VUS according to the recommendation of ACMG/AMP guideline.

Labcorp Genetics (formerly Invitae), Labcorp
Classification: Uncertain significance. Last evaluated: 2024-07-23. Review status: criteria provided, single submitter. Criteria: Invitae Variant Classification Sherloc (09022015). Collection method: clinical testing. Allele origin: germline.
Comment: This sequence change replaces proline, which is neutral and non-polar, with serine, which is neutral and polar, at codon 279 of the LZTR1 protein (p.Pro279Ser). The frequency data for this variant in the population databases is considered unreliable, as metrics indicate poor data quality at this position in the gnomAD database. This variant has not been reported in the literature in individuals affected with LZTR1-related conditions. ClinVar contains an entry for this variant (Variation ID: 1763075). Advanced modeling of protein sequence and biophysical properties (such as structural, functional, and spatial information, amino acid conservation, physicochemical variation, residue mobility, and thermodynamic stability) performed at Invitae indicates that this missense variant is not expected to disrupt LZTR1 protein function with a negative predictive value of 80%. In summary, the available evidence is currently insufficient to determine the role of this variant in disease. Therefore, it has been classified as a Variant of Uncertain Significance.

GeneDx
Classification: Uncertain significance. Last evaluated: 2024-04-25. Review status: criteria provided, single submitter. Criteria: GeneDx Variant Classification Process June 2021. Collection method: clinical testing. Allele origin: germline. Affected: yes.
Comment: Not observed at significant frequency in large population cohorts (gnomAD); In silico analysis supports that this missense variant has a deleterious effect on protein structure/function; Has not been previously published as pathogenic or benign to our knowledge

Ambry Genetics
Classification: Uncertain significance for Cardiovascular phenotype; Hereditary cancer-predisposing syndrome. Last evaluated: 2020-12-11. Review status: criteria provided, single submitter. Criteria: Ambry Variant Classification Scheme 2023. Collection method: clinical testing. Allele origin: germline.
Comment: The p.P279S variant (also known as c.835C>T), located in coding exon 9 of the LZTR1 gene, results from a C to T substitution at nucleotide position 835. The proline at codon 279 is replaced by serine, an amino acid with similar properties. This amino acid position is highly conserved in available vertebrate species. In addition, this alteration is predicted to be tolerated by in silico analysis. Since supporting evidence is limited at this time, the clinical significance of this alteration remains unclear.